The following is an entry in ClinVar:

NM_007194.4(CHEK2):c.1375+10T>C

Gene: CHEK2 (checkpoint kinase 2; minus strand). Cytogenetic location: 22q12.1.
Variant type: single nucleotide variant.
Coding change: c.1375+10T>C on transcript NM_007194.4 (MANE Select); 10 bases into the intron after coding-DNA position 1375, T replaced by C.
Molecular consequence: intron variant.
Genome position (GRCh38, 1-based): chr22:28,695,117, A>G on the plus strand (T>C on the coding strand, the complement: CHEK2 is on the minus strand). VCF-style: chr22-28695117-A-G. GRCh37 (hg19) VCF-style: chr22-29091105-A-G.
Other names: c.712+10T>C (NM_001437942.1, NM_001257387.3); c.1174+10T>C (NM_001349956.3); c.1288+10T>C (NM_145862.3); c.1381+10T>C (NM_001438295.1); c.1468+10T>C (NM_001438293.1); c.1417+10T>C (NM_001438294.1); c.1504+10T>C (NM_001005735.3).
Identifiers: ClinVar variation 928740 (VCV000928740.2), dbSNP rs2052511807, ClinGen allele CA1139667016.

ClinVar aggregate classification (germline): Conflicting classifications of pathogenicity. Review status: criteria provided, conflicting classifications (1 of 4 stars). 2 submissions from 2 submitters: Uncertain significance (1); Likely benign (1). Last evaluated 2024-10-08.

Conditions:
Familial cancer of breast. Also called: Hereditary breast cancer; BREAST CANCER, FAMILIAL; hereditary breast carcinoma. Identifiers: Orphanet 227535, MedGen C0346153, MONDO:0016419, OMIM 114480. Disease mechanism: loss of function.

Submissions (2):

Myriad Genetics, Inc.
Classification: Likely benign for Familial cancer of breast. Last evaluated: 2024-10-08. Review status: criteria provided, single submitter. Criteria: Myriad Autosomal Dominant, Autosomal Recessive and X-Linked Classification Criteria (2023). Collection method: clinical testing. Allele origin: unknown.
Comment: This variant is considered likely benign. This variant is intronic and is not expected to impact mRNA splicing.

Women's Health and Genetics/Laboratory Corporation of America, LabCorp
Classification: Uncertain significance. Last evaluated: 2019-06-03. Review status: criteria provided, single submitter. Criteria: LabCorp Variant Classification Summary - May 2015. Collection method: clinical testing. Allele origin: germline.
Comment: Variant summary: CHEK2 c.1375+10T>C alters a non-conserved nucleotide located close to a canonical splice site and therefore could affect mRNA splicing, leading to a significantly altered protein sequence. 5/5 computational tools predict no significant impact on normal splicing. However, these predictions have yet to be confirmed by functional studies. The variant was absent in 250536 control chromosomes. The available data on variant occurrences in the general population are insufficient to allow any conclusion about variant significance. To our knowledge, no occurrence of c.1375+10T>C in individuals affected with Hereditary Breast and Ovarian Cancer and no experimental evidence demonstrating its impact on protein function have been reported. No clinical diagnostic laboratories have submitted clinical-significance assessments for this variant to ClinVar after 2014. Based on the evidence outlined above, the variant was classified as uncertain significance.